The following is an entry in ClinVar:

ClinVar aggregate classification (germline): Conflicting classifications of pathogenicity. Review status: criteria provided, conflicting classifications (1 of 4 stars). 3 submissions from 3 submitters: Uncertain significance (1); Likely benign (2). Last evaluated 2025-11-11.

Conditions:
Malignant hyperthermia, susceptibility to, 1 (MHS1). Also called: Anesthesia related hyperthermia; Malignant hyperpyrexia; Fulminating hyperpyrexia; Pharmacogenic myopathy; Malignant hyperthermia suceptibility 1; RYR1-Related Malignant Hyperthermia Susceptibility. Identifiers: Orphanet 423, MedGen C2930980, MONDO:0007783, OMIM 145600.
RYR1-related disorder. Also called: RYR1-related condition; RYR1-related disorders. Identifiers: MedGen CN239331.

Allele frequency attached by ClinVar (database versions not stated): gnomAD exomes 0.00001 and 0.00004; ExAC 0.00005; gnomAD 0.00017 and 0.00019; TOPMed 0.00017.
gnomAD v4.1: 42 of 1,611,802 alleles (0.0026%); highest among the groups gnomAD compares: African/African-American, 0.052%; no homozygotes.

Submissions (3):

Labcorp Genetics (formerly Invitae), Labcorp
Classification: Likely benign for RYR1-related disorder. Last evaluated: 2025-11-11. Review status: criteria provided, single submitter. Criteria: Invitae Variant Classification Sherloc (09022015). Collection method: clinical testing. Allele origin: germline.

All of Us Research Program, National Institutes of Health
Classification: Likely benign for Malignant hyperthermia, susceptibility to, 1. Last evaluated: 2024-07-10. Review status: criteria provided, single submitter. Criteria: ACMG Guidelines, 2015. Collection method: clinical testing. Allele origin: germline. Inheritance: Autosomal dominant inheritance. Observed: 11 variant alleles, 11 heterozygotes.
Comment: This study involves interpretation of variants in research participants for the purpose of population health screening. Participant phenotype was not available at the time of variant classification. Additional details can be found in publication PMID: 35346344, PMCID: PMC8962531

Revvity Omics, Revvity
Classification: Uncertain significance. Last evaluated: 2019-10-17. Review status: criteria provided, single submitter. Criteria: ACMG Guidelines, 2015. Collection method: clinical testing. Allele origin: germline.

NM_000540.3(RYR1):c.2679C>G (p.Gly893=)

Gene: RYR1 (ryanodine receptor 1; plus strand). Cytogenetic location: 19q13.2.
Variant type: single nucleotide variant.
Coding change: c.2679C>G on transcript NM_000540.3 (MANE Select); coding-DNA position 2679, C replaced by G.
Protein change: p.Gly893=; no amino-acid change (glycine 893 retained).
Molecular consequence: synonymous variant.
Genome position (GRCh38, 1-based): chr19:38,463,524, C>G. VCF-style: chr19-38463524-C-G. GRCh37 (hg19) VCF-style: chr19-38954164-C-G.
Other names: c.2679C>G, p.Gly893= (NM_001042723.2).
Identifiers: ClinVar variation 701900 (VCV000701900.15), dbSNP rs765657226, ClinGen allele CA063696.